The following is an entry in ClinVar:

ClinVar aggregate classification (germline): Benign/Likely benign. Review status: criteria provided, multiple submitters, no conflicts (2 of 4 stars). 7 submissions from 7 submitters: Benign (2); Likely benign (3). 2 of the submissions do not count toward it. Last evaluated 2026-07-01.

Allele frequency attached by ClinVar (database versions not stated): gnomAD 0.00027 and 0.00043; gnomAD exomes 0.00027 and 0.00074; TOPMed 0.00057; ExAC 0.00068; 1000 Genomes Project 30x 0.00187; 1000 Genomes Project 0.00220.
gnomAD v4.1: 518 of 1,614,190 alleles (0.032%); highest among the groups gnomAD compares: East Asian, 0.92%; 4 homozygotes.

Submissions (7):

CeGaT Center for Human Genetics Tuebingen
Classification: Likely benign. Last evaluated: 2026-07-01. Review status: criteria provided, single submitter. Criteria: CeGaT Center For Human Genetics Tuebingen Variant Classification Criteria Version 2. Collection method: clinical testing. Allele origin: germline. Affected: yes. Observed: 1 variant allele.
Comment: COL9A1: BP4, BP7

Labcorp Genetics (formerly Invitae), Labcorp
Classification: Benign. Last evaluated: 2026-01-18. Review status: criteria provided, single submitter. Criteria: Invitae Variant Classification Sherloc (09022015). Collection method: clinical testing. Allele origin: germline.

Blueprint Genetics
Classification: Likely benign. Last evaluated: 2024-11-08. Review status: criteria provided, single submitter. Criteria: ACMG Guidelines, 2015. Collection method: clinical testing. Allele origin: germline.

GeneDx
Classification: Likely benign. Last evaluated: 2020-11-24. Review status: criteria provided, single submitter. Criteria: GeneDx Variant Classification Process June 2021. Collection method: clinical testing. Allele origin: germline. Affected: yes.

PreventionGenetics, part of Exact Sciences
Classification: Benign. Review status: criteria provided, single submitter. Criteria: ACMG Guidelines, 2015. Collection method: clinical testing. Allele origin: germline.

Clinical Genetics DNA and cytogenetics Diagnostics Lab, Erasmus MC, Erasmus Medical Center
Classification: Likely benign. Review status: no assertion criteria provided. Collection method: clinical testing. Allele origin: germline. Affected: yes. Study: VKGL Data-share Consensus. Not counted in ClinVar's aggregate classification.

Clinical Genetics, Academic Medical Center
Classification: Benign. Review status: no assertion criteria provided. Collection method: clinical testing. Allele origin: germline. Affected: yes. Study: VKGL Data-share Consensus. Not counted in ClinVar's aggregate classification.

NM_001851.6(COL9A1):c.1569T>A (p.Gly523=)

Gene: COL9A1 (collagen type IX alpha 1 chain; minus strand). Cytogenetic location: 6q13.
Variant type: single nucleotide variant.
Coding change: c.1569T>A on transcript NM_001851.6 (MANE Select); coding-DNA position 1569, T replaced by A.
Protein change: p.Gly523=; no amino-acid change (glycine 523 retained).
Molecular consequence: synonymous variant. On other transcripts: non-coding transcript variant (1).
Genome position (GRCh38, 1-based): chr6:70,255,192, A>T on the plus strand (T>A on the coding strand, the complement: COL9A1 is on the minus strand). VCF-style: chr6-70255192-A-T. GRCh37 (hg19) VCF-style: chr6-70964895-A-T.
Other names: c.840T>A, p.Gly280= (NM_001377289.1, NM_001377290.1, NM_078485.4).
Identifiers: ClinVar variation 258345 (VCV000258345.17), dbSNP rs150970524, ClinGen allele CA3882130.